The following is an entry in ClinVar:

NM_015046.7(SETX):c.4349C>G (p.Thr1450Arg)

Gene: SETX (senataxin; minus strand). Cytogenetic location: 9q34.13.
Variant type: single nucleotide variant.
Coding change: c.4349C>G on transcript NM_015046.7 (MANE Select); coding-DNA position 4349, C replaced by G.
Protein change: p.Thr1450Arg; replaces threonine 1450 with arginine.
Molecular consequence: missense variant.
Genome position (GRCh38, 1-based): chr9:132,327,249, G>C on the plus strand (C>G on the coding strand, the complement: SETX is on the minus strand). VCF-style: chr9-132327249-G-C. GRCh37 (hg19) VCF-style: chr9-135202636-G-C.
Other names: c.4349C>G, p.Thr1450Arg (NM_001351527.2, NM_001351528.2); short protein forms T1450R.
Identifiers: ClinVar variation 3762691 (VCV003762691.2).

ClinVar aggregate classification (germline): Uncertain significance (1 of 4 stars; one submission).

Conditions:
Spinocerebellar ataxia, autosomal recessive, with axonal neuropathy 2 (SCAN2). Also called: Ataxia-ocular apraxia-2; ATAXIA-OCULOMOTOR APRAXIA 2; Ataxia with Oculomotor Apraxia; Ataxia with Oculomotor Apraxia Type 2. Identifiers: Orphanet 64753, MedGen C1853761, MONDO:0018996, OMIM 606002.
Amyotrophic lateral sclerosis type 4 (ALS4). Also called: AMYOTROPHIC LATERAL SCLEROSIS 4, JUVENILE; NEURONOPATHY, DISTAL HEREDITARY MOTOR, WITH PYRAMIDAL FEATURES. Identifiers: Orphanet 357043, MedGen C1865409, MONDO:0011223, OMIM 602433.

Submission:

Labcorp Genetics (formerly Invitae), Labcorp
Classification: Uncertain significance for Amyotrophic lateral sclerosis type 4; Spinocerebellar ataxia, autosomal recessive, with axonal neuropathy 2. Last evaluated: 2025-01-21. Review status: criteria provided, single submitter. Criteria: Invitae Variant Classification Sherloc (09022015). Collection method: clinical testing. Allele origin: germline.
Comment: This sequence change replaces threonine, which is neutral and polar, with arginine, which is basic and polar, at codon 1450 of the SETX protein (p.Thr1450Arg). This variant is not present in population databases (gnomAD no frequency). This variant has not been reported in the literature in individuals affected with SETX-related conditions. Invitae Evidence Modeling of protein sequence and biophysical properties (such as structural, functional, and spatial information, amino acid conservation, physicochemical variation, residue mobility, and thermodynamic stability) indicates that this missense variant is not expected to disrupt SETX protein function with a negative predictive value of 95%. In summary, the available evidence is currently insufficient to determine the role of this variant in disease. Therefore, it has been classified as a Variant of Uncertain Significance.